The following is an entry in ClinVar:

NM_015512.5(DNAH1):c.7261G>A (p.Ala2421Thr)

Gene: DNAH1 (dynein axonemal heavy chain 1; plus strand). Cytogenetic location: 3p21.1.
Variant type: single nucleotide variant.
Coding change: c.7261G>A on transcript NM_015512.5 (MANE Select); coding-DNA position 7261, G replaced by A.
Protein change: p.Ala2421Thr; replaces alanine 2421 with threonine.
Molecular consequence: missense variant.
Genome position (GRCh38, 1-based): chr3:52,378,664, G>A. VCF-style: chr3-52378664-G-A. GRCh37 (hg19) VCF-style: chr3-52412680-G-A.
Other names: short protein forms A2421T.
Identifiers: ClinVar variation 966959 (VCV000966959.7), dbSNP rs763046158, ClinGen allele CA2434837.

ClinVar aggregate classification (germline): Uncertain significance (1 of 4 stars; one submission).

Conditions:
Spermatogenic failure 18. Identifiers: MedGen C4539783, MONDO:0054615, OMIM 617576.
Ciliary dyskinesia, primary, 37 (CILD37). Also called: CILIARY DYSKINESIA, PRIMARY, 37, WITH OR WITHOUT SITUS INVERSUS. Identifiers: MedGen C4539798, MONDO:0033204, OMIM 617577.

Allele frequency attached by ClinVar (database versions not stated): gnomAD exomes below 0.00001 and 0.00001; TOPMed below 0.00001; ExAC 0.00001; gnomAD 0.00002.
gnomAD v4.1: 14 of 1,613,622 alleles (0.00087%); highest among the groups gnomAD compares: Non-Finnish European, 0.0012%; no homozygotes.

Submission:

Labcorp Genetics (formerly Invitae), Labcorp
Classification: Uncertain significance for Ciliary dyskinesia, primary, 37; Spermatogenic failure 18. Last evaluated: 2024-02-12. Review status: criteria provided, single submitter. Criteria: Invitae Variant Classification Sherloc (09022015). Collection method: clinical testing. Allele origin: germline.
Comment: This sequence change replaces alanine, which is neutral and non-polar, with threonine, which is neutral and polar, at codon 2421 of the DNAH1 protein (p.Ala2421Thr). The frequency data for this variant in the population databases is considered unreliable, as metrics indicate poor data quality at this position in the gnomAD database. This variant has not been reported in the literature in individuals affected with DNAH1-related conditions. ClinVar contains an entry for this variant (Variation ID: 966959). Advanced modeling of protein sequence and biophysical properties (such as structural, functional, and spatial information, amino acid conservation, physicochemical variation, residue mobility, and thermodynamic stability) performed at Invitae indicates that this missense variant is not expected to disrupt DNAH1 protein function with a negative predictive value of 80%. In summary, the available evidence is currently insufficient to determine the role of this variant in disease. Therefore, it has been classified as a Variant of Uncertain Significance.